The following is an entry in ClinVar:

NM_005144.5(HR):c.333C>T (p.Cys111=)

Gene: HR (HR lysine demethylase and nuclear receptor corepressor; minus strand). Cytogenetic location: 8p21.3.
Variant type: single nucleotide variant.
Coding change: c.333C>T on transcript NM_005144.5 (MANE Select); coding-DNA position 333, C replaced by T.
Protein change: p.Cys111=; no amino-acid change (cysteine 111 retained).
Molecular consequence: synonymous variant.
Genome position (GRCh38, 1-based): chr8:22,128,838, G>A on the plus strand (C>T on the coding strand, the complement: HR is on the minus strand). VCF-style: chr8-22128838-G-A. GRCh37 (hg19) VCF-style: chr8-21986351-G-A.
Other names: c.333C>T, p.Cys111= (NM_018411.4).
Identifiers: ClinVar variation 773760 (VCV000773760.9), dbSNP rs143223831, ClinGen allele CA4662733.

ClinVar aggregate classification (germline): Benign/Likely benign. Review status: criteria provided, multiple submitters, no conflicts (2 of 4 stars). 3 submissions from 2 submitters: Benign (1); Likely benign (2). Last evaluated 2024-03-02.

Conditions:
Alopecia universalis congenita (ALUNC). Also called: ATRICHIA, GENERALIZED. Identifiers: Orphanet 701, MedGen C1859877, MONDO:0008757, OMIM 203655.
Atrichia with papular lesions (APL). Also called: PAPULAR ATRICHIA. Identifiers: Orphanet 86819, MedGen C1859592, MONDO:0008847, OMIM 209500.

Allele frequency attached by ClinVar (database versions not stated): ESP Exome Variant Server 0.00008; TOPMed 0.00033; gnomAD 0.00034 and 0.00041; ExAC 0.00056; gnomAD exomes 0.00058; 1000 Genomes Project 30x 0.00156; 1000 Genomes Project 0.00160.
gnomAD v4.1: 618 of 1,613,366 alleles (0.038%); highest among the groups gnomAD compares: East Asian, 0.3%; no homozygotes.

Submissions (3):

Labcorp Genetics (formerly Invitae), Labcorp
Classification: Benign. Last evaluated: 2024-03-02. Review status: criteria provided, single submitter. Criteria: Invitae Variant Classification Sherloc (09022015). Collection method: clinical testing. Allele origin: germline.

Illumina Laboratory Services, Illumina
Classification: Likely benign for Atrichia with papular lesions. Last evaluated: 2018-01-13. Review status: criteria provided, single submitter. Criteria: ICSL Variant Classification Criteria 13 December 2019. Collection method: clinical testing. Allele origin: germline.
Comment: This variant was observed in the ICSL laboratory as part of a predisposition screen in an ostensibly healthy population. It had not been previously curated by ICSL or reported in the Human Gene Mutation Database (HGMD: prior to June 1st, 2018), and was therefore a candidate for classification through an automated scoring system. Utilizing variant allele frequency, disease prevalence and penetrance estimates, and inheritance mode, an automated score was calculated to assess if this variant is too frequent to cause the disease. Based on the score and internal cut-off values, a variant classified as likely benign is not then subjected to further curation. The score for this variant resulted in a classification of likely benign for this disease.

Illumina Laboratory Services, Illumina
Classification: Likely benign for Alopecia universalis congenita. Last evaluated: 2018-01-13. Review status: criteria provided, single submitter. Criteria: ICSL Variant Classification Criteria 13 December 2019. Collection method: clinical testing. Allele origin: germline.
Comment: the same text as in the submission from Illumina Laboratory Services, Illumina above.